The following is an entry in ClinVar:

ClinVar aggregate classification (germline): Likely benign. Review status: criteria provided, multiple submitters, no conflicts (2 of 4 stars). 2 submissions from 2 submitters: Likely benign (2). Last evaluated 2024-12-02.

Conditions:
Luscan-Lumish syndrome. Identifiers: Orphanet 597738, MedGen C4085873, MONDO:0014791, OMIM 616831.

Allele frequency attached by ClinVar (database versions not stated): gnomAD exomes 0.00001; TOPMed 0.00001; gnomAD 0.00003.
gnomAD v4.1: 26 of 1,610,608 alleles (0.0016%); highest among the groups gnomAD compares: Middle Eastern, 0.016%; no homozygotes.

Submissions (2):

Labcorp Genetics (formerly Invitae), Labcorp
Classification: Likely benign for Luscan-Lumish syndrome. Last evaluated: 2024-12-02. Review status: criteria provided, single submitter. Criteria: Invitae Variant Classification Sherloc (09022015). Collection method: clinical testing. Allele origin: germline.

CeGaT Center for Human Genetics Tuebingen
Classification: Likely benign. Last evaluated: 2022-07-01. Review status: criteria provided, single submitter. Criteria: CeGaT Center For Human Genetics Tuebingen Variant Classification Criteria Version 2. Collection method: clinical testing. Allele origin: germline. Affected: yes. Observed: 1 variant allele.
Comment: SETD2: BP4, BP7

NM_014159.7(SETD2):c.1914C>T (p.Ser638=)

Gene: SETD2 (SET domain containing 2, histone lysine methyltransferase; minus strand). Cytogenetic location: 3p21.31.
Variant type: single nucleotide variant.
Coding change: c.1914C>T on transcript NM_014159.7 (MANE Select); coding-DNA position 1914, C replaced by T.
Protein change: p.Ser638=; no amino-acid change (serine 638 retained).
Molecular consequence: synonymous variant. On other transcripts: non-coding transcript variant (1).
Genome position (GRCh38, 1-based): chr3:47,122,722, G>A on the plus strand (C>T on the coding strand, the complement: SETD2 is on the minus strand). VCF-style: chr3-47122722-G-A. GRCh37 (hg19) VCF-style: chr3-47164212-G-A.
Other names: c.1782C>T, p.Ser594= (NM_001349370.3).
Identifiers: ClinVar variation 732274 (VCV000732274.33), dbSNP rs1371836213, ClinGen allele CA433602247.